The following is an entry in ClinVar:

ClinVar aggregate classification (germline): Uncertain significance (1 of 4 stars; one submission).

Submission:

Ambry Genetics
Classification: Uncertain significance. Last evaluated: 2023-12-29. Review status: criteria provided, single submitter. Criteria: Ambry Variant Classification Scheme 2023. Collection method: clinical testing. Allele origin: germline.
Comment: The p.Q250K variant (also known as c.748C>A), located in coding exon 1 of the MLH3 gene, results from a C to A substitution at nucleotide position 748. The glutamine at codon 250 is replaced by lysine, an amino acid with similar properties. This amino acid position is conserved. In addition, this alteration is predicted to be deleterious by in silico analysis. Since supporting evidence is limited at this time, the clinical significance of this alteration remains unclear.

NM_001040108.2(MLH3):c.748C>A (p.Gln250Lys)

Gene: MLH3 (mutL homolog 3; minus strand). Cytogenetic location: 14q24.3.
Variant type: single nucleotide variant.
Coding change: c.748C>A on transcript NM_001040108.2 (MANE Select); coding-DNA position 748, C replaced by A.
Protein change: p.Gln250Lys; replaces glutamine 250 with lysine.
Molecular consequence: missense variant.
Genome position (GRCh38, 1-based): chr14:75,048,908, G>T on the plus strand (C>A on the coding strand, the complement: MLH3 is on the minus strand). VCF-style: chr14-75048908-G-T. GRCh37 (hg19) VCF-style: chr14-75515611-G-T.
Other names: c.748C>A, p.Gln250Lys (NM_014381.3); short protein forms Q250K.
Identifiers: ClinVar variation 3232595 (VCV003232595.1), dbSNP rs2139599881, ClinGen allele CA390449271.